The following is an entry in ClinVar:

ClinVar aggregate classification (germline): Benign/Likely benign. Review status: criteria provided, multiple submitters, no conflicts (2 of 4 stars). 3 submissions from 3 submitters: Benign (1); Likely benign (2). Last evaluated 2026-03-01.

gnomAD v4.1: 1,079 of 1,613,886 alleles (0.067%); highest among the groups gnomAD compares: African/African-American, 1.3%; 10 homozygotes.

Submissions (3):

CeGaT Center for Human Genetics Tuebingen
Classification: Likely benign. Last evaluated: 2026-03-01. Review status: criteria provided, single submitter. Criteria: CeGaT Center For Human Genetics Tuebingen Variant Classification Criteria Version 2. Collection method: clinical testing. Allele origin: germline. Affected: yes. Observed: 3 variant alleles.
Comment: PUM1: BP4, BP7, BS1

Blueprint Genetics
Classification: Likely benign. Last evaluated: 2024-11-13. Review status: criteria provided, single submitter. Criteria: ACMG Guidelines, 2015. Collection method: clinical testing. Allele origin: germline.

Mayo Clinic Laboratories, Mayo Clinic
Classification: Benign. Last evaluated: 2024-10-14. Review status: criteria provided, single submitter. Criteria: ACMG Guidelines, 2015. Collection method: clinical testing. Allele origin: germline. Observed: 1 variant allele.
Comment: BS1, BS2, BP4, BP7

NM_001020658.2(PUM1):c.384G>C (p.Leu128=)

Gene: PUM1 (pumilio RNA binding family member 1; minus strand). Cytogenetic location: 1p35.2.
Variant type: single nucleotide variant.
Coding change: c.384G>C on transcript NM_001020658.2 (MANE Select); coding-DNA position 384, G replaced by C.
Protein change: p.Leu128=; no amino-acid change (leucine 128 retained).
Molecular consequence: synonymous variant.
Genome position (GRCh38, 1-based): chr1:31,028,844, C>G on the plus strand (G>C on the coding strand, the complement: PUM1 is on the minus strand). VCF-style: chr1-31028844-C-G. GRCh37 (hg19) VCF-style: chr1-31501691-C-G.
Other names: p.Leu128=; c.384G>C, p.Leu128= (NM_014676.3).
Identifiers: ClinVar variation 4534183 (VCV004534183.8).